The following is an entry in ClinVar:

ClinVar aggregate classification (germline): Benign (0 of 4 stars; one submission).

Conditions:
MUC16-related disorder. Also called: MUC16-related condition.

Allele frequency attached by ClinVar (database versions not stated): gnomAD exomes 0.00032; ExAC 0.00104; gnomAD 0.00336; TOPMed 0.00366; ESP Exome Variant Server 0.00400; 1000 Genomes Project 0.00459; 1000 Genomes Project 30x 0.00468.

Submission:

PreventionGenetics, part of Exact Sciences
Classification: Benign for MUC16-related condition. Last evaluated: 2019-07-10. Review status: no assertion criteria provided. Collection method: clinical testing. Allele origin: germline.
Comment: This variant is classified as benign based on ACMG/AMP sequence variant interpretation guidelines (Richards et al. 2015 PMID: 25741868, with internal and published modifications).

NM_001401501.2(MUC16):c.32006C>T (p.Ala10669Val)

Gene: MUC16 (mucin 16, cell surface associated; minus strand). Cytogenetic location: 19p13.2.
Variant type: single nucleotide variant.
Coding change: c.32006C>T on transcript NM_001401501.2 (MANE Select); coding-DNA position 32006, C replaced by T.
Protein change: p.Ala10669Val; replaces alanine 10669 with valine.
Molecular consequence: missense variant.
Genome position (GRCh38, 1-based): chr19:8,939,069, G>A on the plus strand (C>T on the coding strand, the complement: MUC16 is on the minus strand). VCF-style: chr19-8939069-G-A. GRCh37 (hg19) VCF-style: chr19-9049745-G-A.
Other names: c.32432C>T, p.Ala10811Val (NM_001414686.1); c.31886C>T, p.Ala10629Val (NM_001414687.1, NM_024690.2); short protein forms A10629V, A10669V, A10811V.
Identifiers: ClinVar variation 3050422 (VCV003050422.2), dbSNP rs115307391, ClinGen allele CA9166766.
Genomic context (GRCh38, chr19:8,939,069, plus strand): 5'-AGTTCACTAGGTGAGATATTTGTTGGAATGGCTGAGCTGACGTCTGCCCCATGACTGGTG[G>A]CTGTGGAAGATACAGTGTCTAATTCACTGTGGAAAAAATTGGGGGTTGTCTTGGAAACAG-3'
Protein context (NP_001388430.1, residues 10659-10679): HSELDTVSST[Ala10669Val]TSHGADVSSA